The following is an entry in ClinVar:

NM_001364905.1(LRBA):c.3544A>G (p.Met1182Val)

Gene: LRBA (LPS responsive beige-like anchor protein; minus strand). Cytogenetic location: 4q31.3.
Variant type: single nucleotide variant.
Coding change: c.3544A>G on transcript NM_001364905.1 (MANE Select); coding-DNA position 3544, A replaced by G.
Protein change: p.Met1182Val; replaces methionine 1182 with valine.
Molecular consequence: missense variant.
Genome position (GRCh38, 1-based): chr4:150,852,166, T>C on the plus strand (A>G on the coding strand, the complement: LRBA is on the minus strand). VCF-style: chr4-150852166-T-C. GRCh37 (hg19) VCF-style: chr4-151773318-T-C.
Other names: c.3544A>G, p.Met1182Val (NM_001199282.3, NM_001367550.1, NM_006726.5); short protein forms M1182V.
Identifiers: ClinVar variation 3699279 (VCV003699279.2).

ClinVar aggregate classification (germline): Uncertain significance (1 of 4 stars; one submission).

Conditions:
Combined immunodeficiency due to LRBA deficiency. Also called: Common variable immunodeficiency 8, with autoimmunity. Identifiers: Orphanet 445018, MedGen C3553512, MONDO:0013863, OMIM 614700.

Submission:

Labcorp Genetics (formerly Invitae), Labcorp
Classification: Uncertain significance for Combined immunodeficiency due to LRBA deficiency. Last evaluated: 2025-09-26. Review status: criteria provided, single submitter. Criteria: Invitae Variant Classification Sherloc (09022015). Collection method: clinical testing. Allele origin: germline.
Comment: This sequence change replaces methionine, which is neutral and non-polar, with valine, which is neutral and non-polar, at codon 1182 of the LRBA protein (p.Met1182Val). This variant is present in population databases (no rsID available, gnomAD 0.02%). This variant has not been reported in the literature in individuals affected with LRBA-related conditions. ClinVar contains an entry for this variant (Variation ID: 3699279). An algorithm developed to predict the effect of missense changes on protein structure and function outputs the following: PolyPhen-2: "Benign". The valine amino acid residue is found in multiple mammalian species, which suggests that this missense change does not adversely affect protein function. In summary, the available evidence is currently insufficient to determine the role of this variant in disease. Therefore, it has been classified as a Variant of Uncertain Significance.